The following is an entry in ClinVar:

NM_002626.6(PFKL):c.160-8G>C

Gene: PFKL (phosphofructokinase, liver type; plus strand). Cytogenetic location: 21q22.3.
Variant type: single nucleotide variant.
Coding change: c.160-8G>C on transcript NM_002626.6 (MANE Select); 8 bases into the intron before coding-DNA position 160, G replaced by C.
Molecular consequence: intron variant.
Genome position (GRCh38, 1-based): chr21:44,310,998, G>C. VCF-style: chr21-44310998-G-C. GRCh37 (hg19) VCF-style: chr21-45730881-G-C.
Other names: c.310-8G>C (NM_001002021.3).
Identifiers: ClinVar variation 4981253 (VCV004981253.1).

ClinVar aggregate classification (germline): Likely benign (1 of 4 stars; one submission).

Conditions:
PFKL-related disorder. Also called: PFKL-related condition.

gnomAD v4.1: 216 of 1,611,230 alleles (0.013%); highest among the groups gnomAD compares: Middle Eastern, 0.3%; 8 homozygotes.

Submission:

PreventionGenetics, part of Exact Sciences
Classification: Likely benign for PFKL-related condition. Last evaluated: 2025-05-06. Review status: criteria provided, single submitter. Criteria: ACMG Guidelines, 2015. Collection method: clinical testing. Allele origin: germline.
Comment: This variant is classified as likely benign based on ACMG/AMP sequence variant interpretation guidelines (Richards et al. 2015 PMID: 25741868, with internal and published modifications).